The following is an entry in ClinVar:

ClinVar aggregate classification (germline): Likely benign. Review status: criteria provided, single submitter (1 of 4 stars). 2 submissions from 2 submitters: Likely benign (1). 1 of the submissions does not count toward it. Last evaluated 2024-08-22.

Conditions:
PCNT-related disorder. Also called: PCNT-related condition.

Allele frequency attached by ClinVar (database versions not stated): gnomAD exomes below 0.00001; gnomAD 0.00003; ExAC 0.00005; 1000 Genomes Project 30x 0.00078; 1000 Genomes Project 0.00100.
gnomAD v4.1: 18 of 1,612,822 alleles (0.0011%); highest among the groups gnomAD compares: East Asian, 0.025%; no homozygotes.

Submissions (2):

Labcorp Genetics (formerly Invitae), Labcorp
Classification: Likely benign. Last evaluated: 2024-08-22. Review status: criteria provided, single submitter. Criteria: Invitae Variant Classification Sherloc (09022015). Collection method: clinical testing. Allele origin: germline.

PreventionGenetics, part of Exact Sciences
Classification: Likely benign for PCNT-related condition. Last evaluated: 2021-12-15. Review status: no assertion criteria provided. Collection method: clinical testing. Allele origin: germline. Not counted in ClinVar's aggregate classification.
Comment: This variant is classified as likely benign based on ACMG/AMP sequence variant interpretation guidelines (Richards et al. 2015 PMID: 25741868, with internal and published modifications).

NM_006031.6(PCNT):c.3951G>A (p.Lys1317=)

Gene: PCNT (pericentrin; plus strand). Cytogenetic location: 21q22.3.
Variant type: single nucleotide variant.
Coding change: c.3951G>A on transcript NM_006031.6 (MANE Select); coding-DNA position 3951, G replaced by A.
Protein change: p.Lys1317=; no amino-acid change (lysine 1317 retained).
Molecular consequence: synonymous variant.
Genome position (GRCh38, 1-based): chr21:46,390,780, G>A. VCF-style: chr21-46390780-G-A. GRCh37 (hg19) VCF-style: chr21-47810695-G-A.
Other names: c.3597G>A, p.Lys1199= (NM_001315529.2); c.3951G>A (NM_006031.5).
Identifiers: ClinVar variation 2715140 (VCV002715140.5), dbSNP rs370541579, ClinGen allele CA10079488.